The following is an entry in ClinVar:

NM_004946.3(DOCK2):c.1987C>T (p.His663Tyr)

Gene: DOCK2 (dedicator of cytokinesis 2; plus strand). Cytogenetic location: 5q35.1.
Variant type: single nucleotide variant.
Coding change: c.1987C>T on transcript NM_004946.3 (MANE Select); coding-DNA position 1987, C replaced by T.
Protein change: p.His663Tyr; replaces histidine 663 with tyrosine.
Molecular consequence: missense variant. On other transcripts: non-coding transcript variant (1).
Genome position (GRCh38, 1-based): chr5:169,716,258, C>T. VCF-style: chr5-169716258-C-T. GRCh37 (hg19) VCF-style: chr5-169143262-C-T.
Other names: short protein forms H663Y.
Identifiers: ClinVar variation 1023550 (VCV001023550.9), dbSNP rs1761910500, ClinGen allele CA362108635.

ClinVar aggregate classification (germline): Uncertain significance (1 of 4 stars; one submission).

Conditions:
DOCK2 deficiency. Also called: Immunodeficiency 40. Identifiers: Orphanet 447737, MedGen C4225328, MONDO:0014637, OMIM 616433.

Submission:

Labcorp Genetics (formerly Invitae), Labcorp
Classification: Uncertain significance for DOCK2 deficiency. Last evaluated: 2025-04-07. Review status: criteria provided, single submitter. Criteria: Invitae Variant Classification Sherloc (09022015). Collection method: clinical testing. Allele origin: germline.
Comment: This sequence change replaces histidine, which is basic and polar, with tyrosine, which is neutral and polar, at codon 663 of the DOCK2 protein (p.His663Tyr). This variant is not present in population databases (gnomAD no frequency). This variant has not been reported in the literature in individuals affected with DOCK2-related conditions. ClinVar contains an entry for this variant (Variation ID: 1023550). An algorithm developed to predict the effect of missense changes on protein structure and function (PolyPhen-2) suggests that this variant is likely to be tolerated. In summary, the available evidence is currently insufficient to determine the role of this variant in disease. Therefore, it has been classified as a Variant of Uncertain Significance.